The following is an entry in ClinVar:

ClinVar aggregate classification (germline): Pathogenic (1 of 4 stars; one submission).

Conditions:
STRC-related disorder. Also called: STRC-related condition.

Submission:

PreventionGenetics, part of Exact Sciences
Classification: Pathogenic for STRC-related condition. Last evaluated: 2025-09-17. Review status: criteria provided, single submitter. Criteria: ACMG Guidelines, 2015. Collection method: clinical testing. Allele origin: germline.
Comment: The STRC c.1934delG variant is predicted to result in a frameshift and premature protein termination (p.Gly645Valfs*57). This variant was reported in the compound heterozygous state along with a pathogenic full gene deletion in an individual with hearing loss (Table S2, Pfundt et al. 2017. PubMed ID: 28574513). This variant has not been reported in a large population database (gnomAD), indicating this variant is rare. Frameshift variants in STRC are expected to be pathogenic. This variant is interpreted as pathogenic.

NM_153700.2(STRC):c.1934del (p.Gly645fs)

Gene: STRC (stereocilin; minus strand). Cytogenetic location: 15q15.3.
Variant type: Deletion.
Coding change: c.1934del on transcript NM_153700.2 (MANE Select); coding-DNA position 1934, one base deleted (G; older notation c.1934delG).
Protein change: p.Gly645fs; shifts the reading frame from glycine 645.
Molecular consequence: frameshift variant.
Genome position (GRCh38, 1-based): chr15:43,615,632, C deleted on the plus strand (G on the coding strand, the reverse complement: STRC is on the minus strand); the first of 3 consecutive C bases (chr15:43,615,632-43,615,634); deleting any one gives the same sequence. VCF-style (leftmost placement, unchanged base first): chr15-43615631-AC-A. GRCh37 (hg19) VCF-style: chr15-43907829-AC-A.
Other names: c.1934delG (NM_153700.2); short protein forms G645fs.
Identifiers: ClinVar variation 2630773 (VCV002630773.2), dbSNP rs2507595775, ClinGen allele CA2695197275.
Genomic context (GRCh38, chr15:43,615,631, plus strand): 5'-TGGGCGAAAGGCATCCCAGAAGGAGCAGTTGTCTGGGAGACTGGAGAGCAGTAGGGCCCG[AC>A]CCAGCATCCCCTGGGCCTCAGCGCCCCCAGCCCCTGGACCCAAGAGGAAGGTCAGCAGGC-3'